The following is an entry in ClinVar:

ClinVar aggregate classification (germline): Uncertain significance (1 of 4 stars; one submission).

Submission:

Labcorp Genetics (formerly Invitae), Labcorp
Classification: Uncertain significance. Last evaluated: 2024-04-10. Review status: criteria provided, single submitter. Criteria: Invitae Variant Classification Sherloc (09022015). Collection method: clinical testing. Allele origin: germline.
Comment: This sequence change replaces lysine, which is basic and polar, with glutamic acid, which is acidic and polar, at codon 488 of the CTNNA1 protein (p.Lys488Glu). This variant is not present in population databases (gnomAD no frequency). This variant has not been reported in the literature in individuals affected with CTNNA1-related conditions. Advanced modeling of protein sequence and biophysical properties (such as structural, functional, and spatial information, amino acid conservation, physicochemical variation, residue mobility, and thermodynamic stability) performed at Invitae indicates that this missense variant is not expected to disrupt CTNNA1 protein function with a negative predictive value of 80%. In summary, the available evidence is currently insufficient to determine the role of this variant in disease. Therefore, it has been classified as a Variant of Uncertain Significance.

NM_001903.5(CTNNA1):c.1462A>G (p.Lys488Glu)

Gene: CTNNA1 (catenin alpha 1; plus strand). Cytogenetic location: 5q31.2.
Variant type: single nucleotide variant.
Coding change: c.1462A>G on transcript NM_001903.5 (MANE Select); coding-DNA position 1462, A replaced by G.
Protein change: p.Lys488Glu; replaces lysine 488 with glutamic acid.
Molecular consequence: missense variant.
Genome position (GRCh38, 1-based): chr5:138,917,814, A>G. VCF-style: chr5-138917814-A-G. GRCh37 (hg19) VCF-style: chr5-138253503-A-G.
Other names: c.1462A>G, p.Lys488Glu (NM_001290307.3, NM_001323982.2, NM_001323983.1 and 2 more transcripts); c.1153A>G, p.Lys385Glu (NM_001290309.3); c.352A>G, p.Lys118Glu (NM_001323990.1, NM_001323991.1, NM_001323992.1 and 17 more transcripts); c.13A>G, p.Lys5Glu (NM_001324009.1, NM_001324010.1, NM_001324006.1 and 2 more transcripts); c.259A>G, p.Lys87Glu (NM_001324011.1); c.109A>G, p.Lys37Glu (NM_001324012.1, NM_001324013.1); c.1093A>G, p.Lys365Glu (NM_001290310.3); c.1369A>G, p.Lys457Glu (NM_001323986.2); short protein forms K37E, K118E, K365E, K385E, K5E, K457E, K488E, K87E.
Identifiers: ClinVar variation 3649426 (VCV003649426.2).
Genomic context (GRCh38, chr5:138,917,814, plus strand): 5'-GCACTGGCTTTAGCAGCAAAACCACAGAGTAAACTGGCCCAAGAGAACATGGATCTTTTT[A>G]AAGAACAATGGGAAAAACAAGTCCGTGTTCTCACAGATGCTGTCGATGACATTACTTCCA-3'
Protein context (NP_001894.2, residues 478-498): KLAQENMDLF[Lys488Glu]EQWEKQVRVL